The following is an entry in ClinVar:

NM_001135649.3(FOXI3):c.1217G>T (p.Ser406Ile)

Gene: FOXI3 (forkhead box I3; minus strand). Cytogenetic location: 2p11.2.
Variant type: single nucleotide variant.
Coding change: c.1217G>T on transcript NM_001135649.3 (MANE Select); coding-DNA position 1217, G replaced by T.
Protein change: p.Ser406Ile; replaces serine 406 with isoleucine.
Molecular consequence: missense variant.
Genome position (GRCh38, 1-based): chr2:88,448,253, C>A on the plus strand (G>T on the coding strand, the complement: FOXI3 is on the minus strand). VCF-style: chr2-88448253-C-A. GRCh37 (hg19) VCF-style: chr2-88747772-C-A.
Other names: short protein forms S406I.
Identifiers: ClinVar variation 2004829 (VCV002004829.4), dbSNP rs2528909086, ClinGen allele CA347763982.
Genomic context (GRCh38, chr2:88,448,253, plus strand): 5'-TCTGAGAGTCTGCTCTACACCTCGGAGCCCTCTCGGGGGTAGATGAGGCTGTTCACCATG[C>A]TAAAGTTGTGGAAAGGGCTGCTGAAGGGGCTGCTTTGCCCCCCGCTGGTGCTGGCAGGGA-3'
Protein context (NP_001129121.1, residues 396-416): SPFSSPFHNF[Ser406Ile]MVNSLIYPRE

ClinVar aggregate classification (germline): Uncertain significance (1 of 4 stars; one submission).

Submission:

Labcorp Genetics (formerly Invitae), Labcorp
Classification: Uncertain significance. Last evaluated: 2022-09-15. Review status: criteria provided, single submitter. Criteria: Invitae Variant Classification Sherloc (09022015). Collection method: clinical testing. Allele origin: germline.
Comment: This sequence change replaces serine, which is neutral and polar, with isoleucine, which is neutral and non-polar, at codon 406 of the FOXI3 protein (p.Ser406Ile). This variant is not present in population databases (gnomAD no frequency). This variant has not been reported in the literature in individuals affected with FOXI3-related conditions. Experimental studies and prediction algorithms are not available or were not evaluated, and the functional significance of this variant is currently unknown. In summary, the available evidence is currently insufficient to determine the role of this variant in disease. Therefore, it has been classified as a Variant of Uncertain Significance.